The following is an entry in ClinVar:

ClinVar aggregate classification (germline): Uncertain significance (1 of 4 stars; one submission).

Conditions:
Familial isolated arrhythmogenic right ventricular dysplasia. Identifiers: Orphanet 217656, MedGen C4274968, MONDO:0016342.

Submission:

All of Us Research Program, National Institutes of Health
Classification: Uncertain significance for Familial isolated arrhythmogenic right ventricular dysplasia. Last evaluated: 2023-06-08. Review status: criteria provided, single submitter. Criteria: ACMG Guidelines, 2015. Collection method: clinical testing. Allele origin: germline. Inheritance: Autosomal dominant inheritance. Observed: 1 variant allele, 1 heterozygote.
Comment: This missense variant replaces threonine with asparagine at codon 101 of the DSC2 protein. Computational prediction suggests that this variant may not impact protein structure and function (internally defined REVEL score threshold <= 0.5, PMID: 27666373). To our knowledge, functional studies have not been reported for this variant. This variant has not been reported in individuals affected with DSC2-related disorders in the literature. This variant has not been identified in the general population by the Genome Aggregation Database (gnomAD). The available evidence is insufficient to determine the role of this variant in disease conclusively. Therefore, this variant is classified as a Variant of Uncertain Significance.

This study involves interpretation of variants in research participants for the purpose of population health screening. Participant phenotype was not available at the time of variant classification. Additional details can be found in publication PMID: 35346344, PMCID: PMC8962531

NM_024422.6(DSC2):c.302C>A (p.Thr101Asn)

Gene: DSC2 (desmocollin 2; minus strand). Cytogenetic location: 18q12.1.
Variant type: single nucleotide variant.
Coding change: c.302C>A on transcript NM_024422.6 (MANE Select); coding-DNA position 302, C replaced by A.
Protein change: p.Thr101Asn; replaces threonine 101 with asparagine.
Molecular consequence: missense variant. On other transcripts: 5 prime UTR variant (2).
Genome position (GRCh38, 1-based): chr18:31,092,153, G>T on the plus strand (C>A on the coding strand, the complement: DSC2 is on the minus strand). VCF-style: chr18-31092153-G-T. GRCh37 (hg19) VCF-style: chr18-28672116-G-T.
Other names: c.-128C>A (NM_001406506.1, NM_001406507.1); c.302C>A, p.Thr101Asn (NM_004949.5); short protein forms T101N.
Identifiers: ClinVar variation 3071619 (VCV003071619.1), dbSNP rs2510956039, ClinGen allele CA402114676.